The following is an entry in ClinVar:

ClinVar aggregate classification (germline): Uncertain significance (1 of 4 stars; one submission).

Conditions:
Hereditary cancer-predisposing syndrome. Also called: Tumor predisposition; Neoplastic Syndromes, Hereditary; Hereditary neoplastic syndrome; Hereditary Cancer Syndrome. Identifiers: Orphanet 140162, MedGen C0027672, MeSH D009386, MONDO:0015356.

Submission:

Ambry Genetics
Classification: Uncertain significance for Hereditary cancer-predisposing syndrome. Last evaluated: 2024-08-09. Review status: criteria provided, single submitter. Criteria: Ambry Variant Classification Scheme 2023. Collection method: clinical testing. Allele origin: germline.
Comment: The c.1189_1191delAAG variant (also known as p.K397del) is located in coding exon 9 of the SDHA gene. This variant results from an in-frame AAG deletion at nucleotide positions 1189 to 1191. This results in the in-frame deletion of a lysine at codon 397. This amino acid position is highly conserved in available vertebrate species. In addition, this alteration is predicted to be deleterious by in silico analysis (Choi Y et al. PLoS ONE. 2012; 7(10):e46688). Since supporting evidence is limited at this time, the clinical significance of this alteration remains unclear.

NM_004168.4(SDHA):c.1189_1191del (p.Lys397del)

Gene: SDHA (succinate dehydrogenase complex flavoprotein subunit A; plus strand). Cytogenetic location: 5p15.33.
Variant type: Deletion.
Coding change: c.1189_1191del on transcript NM_004168.4 (MANE Select); coding-DNA positions 1189 to 1191, 3 bases deleted (AAG; older notation c.1189_1191delAAG).
Protein change: p.Lys397del; deletes lysine 397.
Genome position (GRCh38, 1-based): chr5:235,268-235,270, AAG deleted; deleting any 3 consecutive bases within chr5:235,267-235,270 gives the same sequence; the c. name uses the placement nearest the transcript's 3' end. VCF-style (leftmost placement, unchanged base first): chr5-235266-CGAA-C. GRCh37 (hg19) VCF-style: chr5-235381-CGAA-C.
Other names: c.1045_1047del, p.Lys349del (NM_001294332.2); c.1189_1191del, p.Lys397del (NM_001330758.2); short protein forms K349del, K397del.
Identifiers: ClinVar variation 3438686 (VCV003438686.1).